The following is an entry in ClinVar:

NM_001040142.2(SCN2A):c.4818T>C (p.Ile1606=)

Gene: SCN2A (sodium voltage-gated channel alpha subunit 2; plus strand). Cytogenetic location: 2q24.3.
Variant type: single nucleotide variant.
Coding change: c.4818T>C on transcript NM_001040142.2 (MANE Select); coding-DNA position 4818, T replaced by C.
Protein change: p.Ile1606=; no amino-acid change (isoleucine 1606 retained).
Molecular consequence: synonymous variant.
Genome position (GRCh38, 1-based): chr2:165,387,012, T>C. VCF-style: chr2-165387012-T-C. GRCh37 (hg19) VCF-style: chr2-166243522-T-C.
Other names: c.4818T>C, p.Ile1606= (NM_001040143.2, NM_001371246.1, NM_001371247.1 and 1 more transcripts); c.4818T>C (NM_021007.2).
Identifiers: ClinVar variation 1123102 (VCV001123102.13), dbSNP rs771160474, ClinGen allele CA1940320.

ClinVar aggregate classification (germline): Likely benign. Review status: criteria provided, single submitter (1 of 4 stars). 2 submissions from 2 submitters: Likely benign (1). 1 of the submissions does not count toward it. Last evaluated 2024-06-24.

Conditions:
Developmental and epileptic encephalopathy, 11 (DEE11). Also called: Early infantile epileptic encephalopathy 11. Identifiers: Orphanet 1934, MedGen C3150987, MONDO:0013388, OMIM 613721.
Seizures, benign familial infantile, 3 (BFIS3). Also called: CONVULSIONS, BENIGN FAMILIAL INFANTILE, 3; Familial neonatal seizures. Identifiers: Orphanet 140927, Orphanet 306, MedGen C1843140, MONDO:0011904, OMIM 607745.
SCN2A-related disorder. Also called: SCN2A-related condition; SCN2A-related disorders. Identifiers: MedGen CN382226, MONDO:1060245.

Allele frequency attached by ClinVar (database versions not stated): gnomAD 0.00001; TOPMed 0.00001; gnomAD exomes below 0.00001 and 0.00001; ExAC 0.00001.
gnomAD v4.1: 8 of 1,613,496 alleles (0.0005%); highest among the groups gnomAD compares: Non-Finnish European, 0.00034%; no homozygotes.

Submissions (2):

Labcorp Genetics (formerly Invitae), Labcorp
Classification: Likely benign for Seizures, benign familial infantile, 3; Developmental and epileptic encephalopathy, 11. Last evaluated: 2024-06-24. Review status: criteria provided, single submitter. Criteria: Invitae Variant Classification Sherloc (09022015). Collection method: clinical testing. Allele origin: germline.

PreventionGenetics, part of Exact Sciences
Classification: Likely benign for SCN2A-related condition. Last evaluated: 2019-09-25. Review status: no assertion criteria provided. Collection method: clinical testing. Allele origin: germline. Not counted in ClinVar's aggregate classification.
Comment: This variant is classified as likely benign based on ACMG/AMP sequence variant interpretation guidelines (Richards et al. 2015 PMID: 25741868, with internal and published modifications).